The following is an entry in ClinVar:

NM_003072.5(SMARCA4):c.114C>T (p.Ser38=)

Gene: SMARCA4 (SWI/SNF related BAF chromatin remodeling complex subunit ATPase 4; plus strand). Cytogenetic location: 19p13.2.
Variant type: single nucleotide variant.
Coding change: c.114C>T on transcript NM_003072.5 (MANE Select); coding-DNA position 114, C replaced by T.
Protein change: p.Ser38=; no amino-acid change (serine 38 retained).
Molecular consequence: synonymous variant. On other transcripts: non-coding transcript variant (1).
Genome position (GRCh38, 1-based): chr19:10,984,265, C>T. VCF-style: chr19-10984265-C-T. GRCh37 (hg19) VCF-style: chr19-11094941-C-T.
Other names: c.114C>T, p.Ser38= (NM_001128844.3, NM_001128845.2, NM_001128846.2 and 5 more transcripts).
Identifiers: ClinVar variation 480550 (VCV000480550.20), dbSNP rs148970517, ClinGen allele CA9203403.
Genomic context (GRCh38, chr19:10,984,265, plus strand): 5'-GGGCCCTGGCCCTTCCCCTGGAGCCATGCTGGGCCCTAGCCCGGGTCCCTCGCCGGGCTC[C>T]GCCCACAGCATGATGGGGCCCAGCCCAGGGCCGCCCTCAGCAGGACACCCCATCCCCACC-3'
Protein context (NP_003063.2, residues 28-48): LGPSPGPSPG[Ser38=]AHSMMGPSPG

ClinVar aggregate classification (germline): Benign/Likely benign. Review status: criteria provided, multiple submitters, no conflicts (2 of 4 stars). 6 submissions from 6 submitters: Benign (1); Likely benign (5). Last evaluated 2026-07-08.

Conditions:
Rhabdoid tumor predisposition syndrome 2 (RTPS2). Identifiers: Orphanet 231108, Orphanet 69077, MedGen C2750074, MONDO:0013224, OMIM 613325.
SMARCA4-related disorder. Also called: SMARCA4-related condition.
Hereditary cancer-predisposing syndrome. Also called: Tumor predisposition; Neoplastic Syndromes, Hereditary; Hereditary Cancer Syndrome; Hereditary neoplastic syndrome. Identifiers: Orphanet 140162, MedGen C0027672, MeSH D009386, MONDO:0015356.

Allele frequency attached by ClinVar (database versions not stated): ExAC 0.00002; ESP Exome Variant Server 0.00015; TOPMed 0.00001; gnomAD 0.00001; gnomAD exomes 0.00003.
gnomAD v4.1: 40 of 1,611,346 alleles (0.0025%); highest among the groups gnomAD compares: East Asian, 0.0045%; no homozygotes.

Submissions (6):

Myriad Genetics, Inc.
Classification: Benign for Rhabdoid tumor predisposition syndrome 2. Last evaluated: 2026-07-08. Review status: criteria provided, single submitter. Criteria: Myriad Autosomal Dominant, Autosomal Recessive and X-Linked Classification Criteria (2023). Collection method: clinical testing. Allele origin: unknown.
Comment: This variant is considered benign. This variant is a silent/synonymous amino acid change and it is not expected to impact splicing.

CeGaT Center for Human Genetics Tuebingen
Classification: Likely benign. Last evaluated: 2026-06-01. Review status: criteria provided, single submitter. Criteria: CeGaT Center For Human Genetics Tuebingen Variant Classification Criteria Version 2. Collection method: clinical testing. Allele origin: germline. Affected: yes. Observed: 1 variant allele.
Comment: SMARCA4: BP4, BP7

Labcorp Genetics (formerly Invitae), Labcorp
Classification: Likely benign for Rhabdoid tumor predisposition syndrome 2. Last evaluated: 2025-09-30. Review status: criteria provided, single submitter. Criteria: Invitae Variant Classification Sherloc (09022015). Collection method: clinical testing. Allele origin: germline.

PreventionGenetics, part of Exact Sciences
Classification: Likely benign for SMARCA4-related condition. Last evaluated: 2025-05-19. Review status: criteria provided, single submitter. Criteria: ACMG Guidelines, 2015. Collection method: clinical testing. Allele origin: germline.
Comment: This variant is classified as likely benign based on ACMG/AMP sequence variant interpretation guidelines (Richards et al. 2015 PMID: 25741868, with internal and published modifications).

Sema4
Classification: Likely benign for Hereditary cancer-predisposing syndrome. Last evaluated: 2021-11-06. Review status: criteria provided, single submitter. Criteria: Sema4 Curation Guidelines. Collection method: curation. Allele origin: germline.

Ambry Genetics
Classification: Likely benign for Hereditary cancer-predisposing syndrome. Last evaluated: 2017-05-30. Review status: criteria provided, single submitter. Criteria: Ambry Variant Classification Scheme 2023. Collection method: clinical testing. Allele origin: germline.